The following is an entry in ClinVar:

ClinVar aggregate classification (germline): Uncertain significance (1 of 4 stars; one submission).

gnomAD v4.1: 5 of 1,613,880 alleles (0.00031%); highest among the groups gnomAD compares: Admixed American, 0.0083%; no homozygotes.

Submission:

Labcorp Genetics (formerly Invitae), Labcorp
Classification: Uncertain significance. Last evaluated: 2023-01-10. Review status: criteria provided, single submitter. Criteria: Invitae Variant Classification Sherloc (09022015). Collection method: clinical testing. Allele origin: germline.
Comment: This variant has not been reported in the literature in individuals affected with ABCC6-related conditions. This variant is present in population databases (no rsID available, gnomAD 0.01%). This sequence change affects codon 1230 of the ABCC6 mRNA. It is a 'silent' change, meaning that it does not change the encoded amino acid sequence of the ABCC6 protein. Algorithms developed to predict the effect of sequence changes on RNA splicing suggest that this variant may disrupt the consensus splice site. In summary, the available evidence is currently insufficient to determine the role of this variant in disease. Therefore, it has been classified as a Variant of Uncertain Significance.

NM_001171.6(ABCC6):c.3690C>A (p.Ile1230=)

Gene: ABCC6 (ATP binding cassette subfamily C member 6; minus strand). Cytogenetic location: 16p13.11.
Variant type: single nucleotide variant.
Coding change: c.3690C>A on transcript NM_001171.6 (MANE Select); coding-DNA position 3690, C replaced by A.
Protein change: p.Ile1230=; no amino-acid change (isoleucine 1230 retained).
Molecular consequence: synonymous variant. On other transcripts: non-coding transcript variant (1).
Genome position (GRCh38, 1-based): chr16:16,159,527, G>T on the plus strand (C>A on the coding strand, the complement: ABCC6 is on the minus strand). VCF-style: chr16-16159527-G-T. GRCh37 (hg19) VCF-style: chr16-16253384-G-T.
Other names: c.3348C>A, p.Ile1116= (NM_001351800.1).
Identifiers: ClinVar variation 2992060 (VCV002992060.3), dbSNP rs368931767, ClinGen allele CA493798042.